The following is an entry in ClinVar:

NM_001080442.3(SLC38A8):c.678C>T (p.Cys226=)

Gene: SLC38A8 (solute carrier family 38 member 8; minus strand). Cytogenetic location: 16q23.3.
Variant type: single nucleotide variant.
Coding change: c.678C>T on transcript NM_001080442.3 (MANE Select); coding-DNA position 678, C replaced by T.
Protein change: p.Cys226=; no amino-acid change (cysteine 226 retained).
Molecular consequence: synonymous variant.
Genome position (GRCh38, 1-based): chr16:84,029,506, G>A on the plus strand (C>T on the coding strand, the complement: SLC38A8 is on the minus strand). VCF-style: chr16-84029506-G-A. GRCh37 (hg19) VCF-style: chr16-84063111-G-A.
Identifiers: ClinVar variation 747640 (VCV000747640.12), dbSNP rs137921368, ClinGen allele CA8200094.
Genomic context (GRCh38, chr16:84,029,506, plus strand): 5'-CACAGCCTCTGCAAACGCCACAGGCTGCAACACAGATGCTAAAATTACCTGAAACCCGAA[G>A]CAGATGGTGGGGAAGACACTGAACACAGAGGTCCAGGAGGCAGGGCTGTAAACAGACAAG-3'
Protein context (NP_001073911.1, residues 216-236): TSVFSVFPTI[Cys226=]FGFQCHEAAV

ClinVar aggregate classification (germline): Likely benign. Review status: criteria provided, multiple submitters, no conflicts (2 of 4 stars). 4 submissions from 4 submitters: Likely benign (3). 1 of the submissions does not count toward it. Last evaluated 2026-01-31.

Conditions:
SLC38A8-related disorder. Also called: SLC38A8-related condition.

Allele frequency attached by ClinVar (database versions not stated): gnomAD exomes 0.00015; ExAC 0.00016; ESP Exome Variant Server 0.00069; 1000 Genomes Project 30x 0.00078; 1000 Genomes Project 0.00080; gnomAD 0.00081 and 0.00090; TOPMed 0.00095.
gnomAD v4.1: 250 of 1,614,116 alleles (0.015%); highest among the groups gnomAD compares: African/African-American, 0.29%; 2 homozygotes.

Submissions (4):

Labcorp Genetics (formerly Invitae), Labcorp
Classification: Likely benign. Last evaluated: 2026-01-31. Review status: criteria provided, single submitter. Criteria: Invitae Variant Classification Sherloc (09022015). Collection method: clinical testing. Allele origin: germline.

Blueprint Genetics
Classification: Likely benign. Last evaluated: 2024-11-25. Review status: criteria provided, single submitter. Criteria: ACMG Guidelines, 2015. Collection method: clinical testing. Allele origin: germline.

Breakthrough Genomics
Classification: Likely benign. Review status: criteria provided, single submitter. Criteria: ACMG Guidelines, 2015. Collection method: not provided. Allele origin: germline. Inheritance: Autosomal recessive inheritance. Affected: yes.

PreventionGenetics, part of Exact Sciences
Classification: Likely benign for SLC38A8-related condition. Last evaluated: 2019-03-08. Review status: no assertion criteria provided. Collection method: clinical testing. Allele origin: germline. Not counted in ClinVar's aggregate classification.
Comment: This variant is classified as likely benign based on ACMG/AMP sequence variant interpretation guidelines (Richards et al. 2015 PMID: 25741868, with internal and published modifications).